The following is an entry in ClinVar:

NM_000051.4(ATM):c.3402+17T>C

Gene: ATM (ATM serine/threonine kinase; plus strand). Cytogenetic location: 11q22.3.
Variant type: single nucleotide variant.
Coding change: c.3402+17T>C on transcript NM_000051.4 (MANE Select); 17 bases into the intron after coding-DNA position 3402, T replaced by C.
Molecular consequence: intron variant.
Genome position (GRCh38, 1-based): chr11:108,279,625, T>C. VCF-style: chr11-108279625-T-C. GRCh37 (hg19) VCF-style: chr11-108150352-T-C.
Other names: c.3402+17T>C (NM_001351834.2).
Identifiers: ClinVar variation 136440 (VCV000136440.49), dbSNP rs3092825, ClinGen allele CA289559.

ClinVar aggregate classification (germline): Benign/Likely benign. Review status: criteria provided, multiple submitters, no conflicts (2 of 4 stars). 11 submissions from 11 submitters: Benign (3); Likely benign (6). 2 of the submissions do not count toward it. Last evaluated 2026-01-31.

Conditions:
Breast and/or ovarian cancer. Identifiers: MedGen CN221562.
Hereditary cancer-predisposing syndrome. Also called: Tumor predisposition; Hereditary neoplastic syndrome; Hereditary Cancer Syndrome; Neoplastic Syndromes, Hereditary. Identifiers: Orphanet 140162, MedGen C0027672, MeSH D009386, MONDO:0015356.
Familial cancer of breast. Also called: Hereditary breast cancer; hereditary breast carcinoma; BREAST CANCER, FAMILIAL. Identifiers: Orphanet 227535, MedGen C0346153, MONDO:0016419, OMIM 114480. Disease mechanism: loss of function.
Ataxia-telangiectasia syndrome (AT). Also called: ATAXIA-TELANGIECTASIA, COMPLEMENTATION GROUP A; ATAXIA-TELANGIECTASIA, FRESNO VARIANT; Ataxia-telangiectasia; Ataxia-telangiectasia, complementation group D; AT, COMPLEMENTATION GROUP C; Ataxia-telangiectasia, complementation group E. Identifiers: Orphanet 100, MedGen C0004135, MONDO:0008840, OMIM 208900.

Allele frequency attached by ClinVar (database versions not stated): ESP Exome Variant Server 0.00008; gnomAD 0.00020 and 0.00029; TOPMed 0.00020; ExAC 0.00033; 1000 Genomes Project 0.00040; 1000 Genomes Project 30x 0.00062.
gnomAD v4.1: 458 of 1,554,192 alleles (0.029%); highest among the groups gnomAD compares: Middle Eastern, 1.2%; 3 homozygotes.

Submissions (11):

Labcorp Genetics (formerly Invitae), Labcorp
Classification: Benign for Ataxia-telangiectasia syndrome. Last evaluated: 2026-01-31. Review status: criteria provided, single submitter. Criteria: Invitae Variant Classification Sherloc (09022015). Collection method: clinical testing. Allele origin: germline.

Center for Genomic Medicine, Rigshospitalet, Copenhagen University Hospital
Classification: Likely benign. Last evaluated: 2025-03-04. Review status: criteria provided, single submitter. Criteria: ACMG Guidelines, 2015. Collection method: clinical testing. Allele origin: germline.

Molecular Diagnostics Laboratory, Catalan Institute of Oncology
Classification: Likely benign for Hereditary cancer-predisposing syndrome. Last evaluated: 2024-12-04. Review status: criteria provided, single submitter. Criteria: ClinGen ACMG Specifications ATM V1.1.0. Collection method: clinical testing. Allele origin: germline.
Comment: BS1, BP4, BP7 ATM c.3402+17T>C, is an intronic variant not very close to a canonical splice site, where the SpliceAI algorithm predicts no significant impact on splicing (BP4 and BP7).This variant is found in 38/30494 at a filtering allele frequency of 0.093% in the gnomAD v2.1.1 database South-Asian non-cancer data set (BS1). To our knowledge, functional studies have not been reported for this variant. In addition, the variant has been identified in the ClinVar database (6x likely benign, 3x benign), but it is not present in the LOVD database. Based on currently available information, the variant c.3402+17T>C is classified as a likely benign variant according to ClinGen-ATM Guidelines version v1.1

Blueprint Genetics
Classification: Likely benign. Last evaluated: 2024-11-20. Review status: criteria provided, single submitter. Criteria: ACMG Guidelines, 2015. Collection method: clinical testing. Allele origin: germline.

KCCC/NGS Laboratory, Kuwait Cancer Control Center
Classification: Benign for Familial cancer of breast. Last evaluated: 2023-07-07. Review status: criteria provided, single submitter. Criteria: ACMG Guidelines, 2015. Collection method: clinical testing. Allele origin: germline. Affected: yes.

CHEO Genetics Diagnostic Laboratory, Children's Hospital of Eastern Ontario
Classification: Likely benign for Breast and/or ovarian cancer. Last evaluated: 2022-11-28. Review status: criteria provided, single submitter. Criteria: ACMG Guidelines, 2015. Collection method: clinical testing. Allele origin: germline.

CeGaT Center for Human Genetics Tuebingen
Classification: Likely benign. Last evaluated: 2022-06-01. Review status: criteria provided, single submitter. Criteria: CeGaT Center For Human Genetics Tuebingen Variant Classification Criteria Version 2. Collection method: clinical testing. Allele origin: germline. Affected: yes. Observed: 1 variant allele.
Comment: ATM: BP4

Color Diagnostics, LLC DBA Color Health
Classification: Likely benign for Hereditary cancer-predisposing syndrome. Last evaluated: 2015-08-11. Review status: criteria provided, single submitter. Criteria: ACMG Guidelines, 2015. Collection method: clinical testing. Allele origin: germline.

GeneDx
Classification: Benign. Last evaluated: 2014-01-02. Review status: criteria provided, single submitter. Criteria: GeneDx Variant Classification (06012015). Collection method: clinical testing. Allele origin: germline. Affected: yes.
Comment: This variant is considered likely benign or benign based on one or more of the following criteria: it is a conservative change, it occurs at a poorly conserved position in the protein, it is predicted to be benign by multiple in silico algorithms, and/or has population frequency not consistent with disease.

Genome Diagnostics Laboratory, Amsterdam University Medical Center
Classification: Likely benign. Review status: no assertion criteria provided. Collection method: clinical testing. Allele origin: germline. Affected: yes. Study: VKGL Data-share Consensus. Not counted in ClinVar's aggregate classification.

Laboratory of Diagnostic Genome Analysis, Leiden University Medical Center (LUMC)
Classification: Likely benign. Review status: no assertion criteria provided. Collection method: clinical testing. Allele origin: germline. Affected: yes. Study: VKGL Data-share Consensus. Not counted in ClinVar's aggregate classification.